The following is an entry in ClinVar:

NM_001042492.3(NF1):c.5287C>G (p.Gln1763Glu)

Gene: NF1 (neurofibromin 1; plus strand). Cytogenetic location: 17q11.2.
Variant type: single nucleotide variant.
Coding change: c.5287C>G on transcript NM_001042492.3 (MANE Select); coding-DNA position 5287, C replaced by G.
Protein change: p.Gln1763Glu; replaces glutamine 1763 with glutamic acid.
Molecular consequence: missense variant.
Genome position (GRCh38, 1-based): chr17:31,327,517, C>G. VCF-style: chr17-31327517-C-G. GRCh37 (hg19) VCF-style: chr17-29654535-C-G.
Other names: c.5224C>G, p.Gln1742Glu (NM_000267.4); short protein forms Q1742E, Q1763E.
Identifiers: ClinVar variation 2960939 (VCV002960939.3), dbSNP rs2069375606, ClinGen allele CA399008946.
Genomic context (GRCh38, chr17:31,327,517, plus strand): 5'-TTTAATTCTTCTCCACTTCACCCCGTCACCACCACTTTCCAGGTTGGTTCTACTGCTGTC[C>G]AAGTAACTTCAGCAGAGCGAACAAAAGTCCTAGGGCAATCAGTCTTTCTAAATGACATTT-3'
Protein context (NP_001035957.1, residues 1753-1773): VSIKVGSTAV[Gln1763Glu]VTSAERTKVL

ClinVar aggregate classification (germline): Uncertain significance (1 of 4 stars; one submission).

Conditions:
Neurofibromatosis, type 1 (NF1). Also called: NEUROFIBROMATOSIS, TYPE I, SOMATIC; Peripheral type neurofibromatosis; Neurofibromatosis, type I; VON RECKLINGHAUSEN DISEASE. Identifiers: Orphanet 636, MedGen C0027831, MONDO:0018975, OMIM 162200. Disease mechanism: loss of function.

Allele frequency attached by ClinVar (database versions not stated): gnomAD exomes below 0.00001.
gnomAD v4.1: 1 of 1,613,594 alleles (0.000062%); highest among the groups gnomAD compares: Non-Finnish European, 0.000085%; no homozygotes.

Submission:

Labcorp Genetics (formerly Invitae), Labcorp
Classification: Uncertain significance for Neurofibromatosis, type 1. Last evaluated: 2025-07-21. Review status: criteria provided, single submitter. Criteria: Invitae Variant Classification Sherloc (09022015). Collection method: clinical testing. Allele origin: germline.
Comment: This sequence change replaces glutamine, which is neutral and polar, with glutamic acid, which is acidic and polar, at codon 1742 of the NF1 protein (p.Gln1742Glu). This variant is not present in population databases (gnomAD no frequency). This variant has not been reported in the literature in individuals affected with NF1-related conditions. ClinVar contains an entry for this variant (Variation ID: 2960939). Invitae Evidence Modeling of protein sequence and biophysical properties (such as structural, functional, and spatial information, amino acid conservation, physicochemical variation, residue mobility, and thermodynamic stability) indicates that this missense variant is expected to disrupt NF1 protein function with a positive predictive value of 95%. In summary, the available evidence is currently insufficient to determine the role of this variant in disease. Therefore, it has been classified as a Variant of Uncertain Significance.